The following is an entry in ClinVar:

ClinVar aggregate classification (germline): Uncertain significance (1 of 4 stars; one submission).

Submission:

GeneDx
Classification: Uncertain significance. Last evaluated: 2024-06-08. Review status: criteria provided, single submitter. Criteria: GeneDx Variant Classification Process June 2021. Collection method: clinical testing. Allele origin: germline. Affected: yes.
Comment: Not observed at significant frequency in large population cohorts (gnomAD); In silico analysis supports that this missense variant has a deleterious effect on protein structure/function; Has not been previously published as pathogenic or benign to our knowledge

NM_000719.7(CACNA1C):c.4055C>T (p.Thr1352Ile)

Gene: CACNA1C (calcium voltage-gated channel subunit alpha1 C; plus strand). Cytogenetic location: 12p13.33.
Variant type: single nucleotide variant.
Coding change: c.4055C>T on transcript NM_000719.7 (MANE Select); coding-DNA position 4055, C replaced by T.
Protein change: p.Thr1352Ile; replaces threonine 1352 with isoleucine.
Molecular consequence: missense variant.
Genome position (GRCh38, 1-based): chr12:2,651,749, C>T. VCF-style: chr12-2651749-C-T. GRCh37 (hg19) VCF-style: chr12-2760915-C-T.
Other names: c.4199C>T, p.Thr1400Ile (NM_001129827.2, NM_199460.4); c.4121C>T, p.Thr1374Ile (NM_001129829.2); c.4055C>T, p.Thr1352Ile (NM_001129830.3, NM_001129833.2, NM_001129834.2 and 7 more transcripts); c.4139C>T, p.Thr1380Ile (NM_001129831.2); c.4115C>T, p.Thr1372Ile (NM_001129832.2); c.4106C>T, p.Thr1369Ile (NM_001129836.2); c.4022C>T, p.Thr1341Ile (NM_001129837.2, NM_001129838.2, NM_001129846.2 and 1 more transcripts); c.4016C>T, p.Thr1339Ile (NM_001129839.2); and 1 more; short protein forms T1339I, T1341I, T1349I, T1352I, T1369I, T1372I, T1374I, T1380I.
Identifiers: ClinVar variation 3384528 (VCV003384528.1).
Genomic context (GRCh38, chr12:2,651,749, plus strand): 5'-GGGTCATGCGTCTGGTGAAGCTGCTGAGCCGTGGGGAGGGCATCCGGACGCTGCTGTGGA[C>T]CTTCATCAAGTCCTTCCAGGTAGCCGCCCCTCATGTCCTGCGGCCCGGGGAATCGCAGGG-3'
Protein context (NP_000710.5, residues 1342-1362): RGEGIRTLLW[Thr1352Ile]FIKSFQALPY